The following is an entry in ClinVar:

NM_004320.6(ATP2A1):c.610A>T (p.Lys204Ter)

Gene: ATP2A1 (ATPase sarcoplasmic/endoplasmic reticulum Ca2+ transporting 1; plus strand). Cytogenetic location: 16p11.2.
Variant type: single nucleotide variant.
Coding change: c.610A>T on transcript NM_004320.6 (MANE Select); coding-DNA position 610, A replaced by T.
Protein change: p.Lys204Ter; replaces lysine 204 with a stop codon.
Molecular consequence: nonsense.
Genome position (GRCh38, 1-based): chr16:28,887,254, A>T. VCF-style: chr16-28887254-A-T. GRCh37 (hg19) VCF-style: chr16-28898575-A-T.
Other names: c.235A>T, p.Lys79Ter (NM_001286075.2); c.610A>T, p.Lys204Ter (NM_173201.5); short protein forms K204*, K79*.
Identifiers: ClinVar variation 1977444 (VCV001977444.5), dbSNP rs2506280469, ClinGen allele CA395402694.

ClinVar aggregate classification (germline): Pathogenic (1 of 4 stars; one submission).

Conditions:
Brody myopathy. Also called: BRODY DISEASE. Identifiers: Orphanet 53347, MedGen C1832918, MONDO:0010977, OMIM 601003.

Submission:

Labcorp Genetics (formerly Invitae), Labcorp
Classification: Pathogenic for Brody myopathy. Last evaluated: 2022-07-23. Review status: criteria provided, single submitter. Criteria: Invitae Variant Classification Sherloc (09022015). Collection method: clinical testing. Allele origin: germline.
Comment: For these reasons, this variant has been classified as Pathogenic. This variant has not been reported in the literature in individuals affected with ATP2A1-related conditions. This variant is not present in population databases (gnomAD no frequency). This sequence change creates a premature translational stop signal (p.Lys204*) in the ATP2A1 gene. It is expected to result in an absent or disrupted protein product. Loss-of-function variants in ATP2A1 are known to be pathogenic (PMID: 8841193, 10914677, 23911890).

Literature cited by the submitters: PubMed 8841193; PubMed 10914677; PubMed 23911890.